The following is an entry in ClinVar:

NM_001429.4(EP300):c.2251_2257del (p.Tyr751fs)

Gene: EP300 (EP300 lysine acetyltransferase; plus strand). Cytogenetic location: 22q13.2.
Variant type: Microsatellite.
Coding change: c.2251_2257del on transcript NM_001429.4 (MANE Select); coding-DNA positions 2251 to 2257, 7 bases deleted (TATGGGC; older notation c.2251_2257delTATGGGC).
Protein change: p.Tyr751fs; shifts the reading frame from tyrosine 751.
Molecular consequence: frameshift variant.
Genome position (GRCh38, 1-based): chr22:41,149,047-41,149,053, TATGGGC deleted; deleting any 7 consecutive bases within chr22:41,149,039-41,149,053 gives the same sequence; the c. name uses the placement nearest the transcript's 3' end. VCF-style (leftmost placement, unchanged base first): chr22-41149038-CCTATGGG-C. GRCh37 (hg19) VCF-style: chr22-41545042-CCTATGGG-C.
Other names: c.2173_2179del, p.Tyr725fs (NM_001362843.2); short protein forms Y751fs, Y725fs.
Identifiers: ClinVar variation 827623 (VCV000827623.2), dbSNP rs1601618876, ClinGen allele CA915951501.
Genomic context (GRCh38, chr22:41,149,038, plus strand): 5'-GTTATAGTAGAATAACTATAATGAAGCAGTTTGGTGATTTGTGTTTTTTTTTTTTTTCAG[CCTATGGG>C]CTATGGGCCTCGTATGCAACAGCCTTCCAACCAGGGCCAGTTCCTTCCTCAGACTCAGTT-3'

ClinVar aggregate classification (germline): Pathogenic. Review status: criteria provided, single submitter (1 of 4 stars). 2 submissions from 2 submitters: Pathogenic (1). 1 of the submissions does not count toward it. Last evaluated 2023-03-29.

Conditions:
Rubinstein-Taybi syndrome due to EP300 haploinsufficiency. Also called: EP300-Related Rubinstein-Taybi Syndrome; RUBINSTEIN-TAYBI SYNDROME 2. Identifiers: Orphanet 353284, Orphanet 783, MedGen C3150941, MONDO:0013364, OMIM 613684.

Submissions (2):

GeneDx
Classification: Pathogenic. Last evaluated: 2023-03-29. Review status: criteria provided, single submitter. Criteria: GeneDx Variant Classification Process June 2021. Collection method: clinical testing. Allele origin: germline. Affected: yes.
Comment: Identified in a patient with clinical features of Rubinstein-Taybi syndrome in published literature (Fergelot et al., 2016); Frameshift variant predicted to result in protein truncation or nonsense mediated decay in a gene for which loss of function is a known mechanism of disease; Not observed at significant frequency in large population cohorts (gnomAD); This variant is associated with the following publications: (PMID: 27648933, 32827181)

Wessex Regional Genetics Laboratory, Salisbury District Hospital
Classification: Pathogenic for Rubinstein-Taybi syndrome due to EP300 haploinsufficiency. Last evaluated: 2019-11-05. Review status: no assertion criteria provided. Criteria: ACMG Guidelines, 2015. Collection method: clinical testing. Allele origin: de novo. Inheritance: Autosomal dominant inheritance. Affected: yes. Not counted in ClinVar's aggregate classification.